The following is an entry in ClinVar:

ClinVar aggregate classification (germline): Uncertain significance (1 of 4 stars; one submission).

Submission:

Labcorp Genetics (formerly Invitae), Labcorp
Classification: Uncertain significance. Last evaluated: 2022-01-21. Review status: criteria provided, single submitter. Criteria: Invitae Variant Classification Sherloc (09022015). Collection method: clinical testing. Allele origin: germline.
Comment: This sequence change replaces alanine, which is neutral and non-polar, with threonine, which is neutral and polar, at codon 681 of the MYO18B protein (p.Ala681Thr). This variant is not present in population databases (gnomAD no frequency). This variant has not been reported in the literature in individuals affected with MYO18B-related conditions. Algorithms developed to predict the effect of missense changes on protein structure and function are either unavailable or do not agree on the potential impact of this missense change (SIFT: "Not Available"; PolyPhen-2: "Possibly Damaging"; Align-GVGD: "Not Available"). In summary, the available evidence is currently insufficient to determine the role of this variant in disease. Therefore, it has been classified as a Variant of Uncertain Significance.

NM_032608.7(MYO18B):c.2041G>A (p.Ala681Thr)

Gene: MYO18B (myosin XVIIIB; plus strand). Cytogenetic location: 22q12.1.
Variant type: single nucleotide variant.
Coding change: c.2041G>A on transcript NM_032608.7 (MANE Select); coding-DNA position 2041, G replaced by A.
Protein change: p.Ala681Thr; replaces alanine 681 with threonine.
Molecular consequence: missense variant.
Genome position (GRCh38, 1-based): chr22:25,777,754, G>A. VCF-style: chr22-25777754-G-A. GRCh37 (hg19) VCF-style: chr22-26173721-G-A.
Other names: c.2041G>A, p.Ala681Thr (NM_001318245.2); short protein forms A681T.
Identifiers: ClinVar variation 2041881 (VCV002041881.4), dbSNP rs2517717259, ClinGen allele CA410992986.